The following is an entry in ClinVar:

NM_139119.3(YY1AP1):c.583+23T>G

Gene: YY1AP1 (YY1 associated protein 1; minus strand). Cytogenetic location: 1q22.
Variant type: single nucleotide variant.
Coding change: c.583+23T>G on transcript NM_139119.3 (MANE Select); 23 bases into the intron after coding-DNA position 583, T replaced by G.
Molecular consequence: intron variant.
Genome position (GRCh38, 1-based): chr1:155,672,537, A>C on the plus strand (T>G on the coding strand, the complement: YY1AP1 is on the minus strand). VCF-style: chr1-155672537-A-C. GRCh37 (hg19) VCF-style: chr1-155642328-A-C.
Other names: IVS6DS, T-G, +23; c.997+23T>G (NM_001198904.1, NM_001198903.1); c.583+23T>G (NM_001198901.2, NM_001198902.2, NM_001198905.2); c.385+23T>G (NM_139121.3); c.781+23T>G (NM_139118.3, NM_001198906.2); c.550+23T>G (NM_001198900.2, NM_018253.4, NM_001198899.2).
Identifiers: ClinVar variation 523661 (VCV000523661.4), dbSNP rs1558307853, ClinGen allele CA891843175.

ClinVar aggregate classification (germline): Pathogenic. Review status: criteria provided, single submitter (1 of 4 stars). 2 submissions from 2 submitters: Pathogenic (1). 1 of the submissions does not count toward it. Last evaluated 2018-05-02.

Conditions:
Grange syndrome (GRNG). Also called: GRANGE OCCLUSIVE ARTERIAL SYNDROME. Identifiers: Orphanet 79094, MedGen C1865267, MONDO:0011243, OMIM 602531.

Allele frequency attached by ClinVar (database versions not stated): gnomAD exomes below 0.00001.
gnomAD v4.1: 1 of 1,605,518 alleles (0.000062%); highest among the groups gnomAD compares: Non-Finnish European, 0.000085%; no homozygotes.

Submissions (2):

Institute of Human Genetics Greifswald, Research Division, University Medicine Greifswald
Classification: Pathogenic for Grange syndrome. Last evaluated: 2018-05-02. Review status: criteria provided, single submitter. Criteria: ACMG Guidelines, 2015. Collection method: in vitro. Allele origin: not applicable. Inheritance: Autosomal recessive inheritance.
Comment: The c.997+23T>G variant in YY1AP1 has been identified in a compound heterozygous state with another YY1AP1 splice mutation. It is absent from large population studies (gnomAD browser). Additionally, RT-PCR on RNA from blood lymphocytes confirmed the creation of a novel donor splice site which leads to exonization of 22 intronic base pairs. In summary, the c.997+23T>G variant meets the ACMG criteria to be classified as pathogenic based upon segregation studies, population frequency data and functional evidence.

OMIM
Classification: Pathogenic for GRANGE SYNDROME. Last evaluated: 2020-07-02. Review status: no assertion criteria provided. Collection method: literature only. Allele origin: germline. Not counted in ClinVar's aggregate classification.

Literature cited by the submitters: PubMed 30556293 (cited by OMIM).